The following is an entry in ClinVar:

NM_001144989.2(ZNF814):c.1217A>G (p.Lys406Arg)

Gene: ZNF814 (zinc finger protein 814; minus strand). Cytogenetic location: 19q13.43.
Variant type: single nucleotide variant.
Coding change: c.1217A>G on transcript NM_001144989.2 (MANE Select); coding-DNA position 1217, A replaced by G.
Protein change: p.Lys406Arg; replaces lysine 406 with arginine.
Molecular consequence: missense variant.
Genome position (GRCh38, 1-based): chr19:57,874,173, T>C on the plus strand (A>G on the coding strand, the complement: ZNF814 is on the minus strand). VCF-style: chr19-57874173-T-C. GRCh37 (hg19) VCF-style: chr19-58385541-T-C.
Other names: short protein forms K406R.
Identifiers: ClinVar variation 4840680 (VCV004840680.1).

ClinVar aggregate classification (germline): Uncertain significance (1 of 4 stars; one submission).

gnomAD v4.1: 4 of 1,586,910 alleles (0.00025%); highest among the groups gnomAD compares: Middle Eastern, 0.017%; no homozygotes.

Submission:

Ambry Genetics
Classification: Uncertain significance. Last evaluated: 2026-02-27. Review status: criteria provided, single submitter. Criteria: Ambry Variant Classification Scheme 2023. Collection method: clinical testing. Allele origin: germline.
Comment: The c.1217A>G (p.K406R) alteration is located in exon 3 (coding exon 3) of the ZNF814 gene. This alteration results from a A to G substitution at nucleotide position 1217, causing the lysine (K) at amino acid position 406 to be replaced by an arginine (R). Based on data from gnomAD, the G allele has an overall frequency of <0.001% (1/227844) total alleles studied. The highest observed frequency was 0.004% (1/28856) of South Asian alleles. Based on insufficient or conflicting evidence, the clinical significance of this alteration remains unclear.